The following is an entry in ClinVar:

ClinVar aggregate classification (germline): Conflicting classifications of pathogenicity. Review status: criteria provided, conflicting classifications (1 of 4 stars). 3 submissions from 3 submitters: Likely pathogenic (1); Uncertain significance (2). Last evaluated 2024-12-11.

Conditions:
Congenital myotonia, autosomal recessive form. Also called: BECKER DISEASE; Becker Generalized Myotonia; myotonia congenita, autosomal recessive. Identifiers: Orphanet 614, MedGen C0751360, MONDO:0009715, OMIM 255700.
Congenital myotonia, autosomal dominant form (THD). Also called: THOMSEN DISEASE; Myotonia congenita autosomal dominant. Identifiers: Orphanet 614, MedGen C2936781, MONDO:0008055, OMIM 160800.

Allele frequency attached by ClinVar (database versions not stated): gnomAD exomes below 0.00001; gnomAD 0.00001.
gnomAD v4.1: 6 of 1,612,656 alleles (0.00037%); highest among the groups gnomAD compares: Non-Finnish European, 0.00051%; no homozygotes.

Submissions (3):

Women's Health and Genetics/Laboratory Corporation of America, LabCorp
Classification: Uncertain significance. Last evaluated: 2024-12-11. Review status: criteria provided, single submitter. Criteria: LabCorp Variant Classification Summary - May 2015. Collection method: clinical testing. Allele origin: germline.
Comment: Variant summary: CLCN1 c.1250A>G (p.Glu417Gly) results in a non-conservative amino acid change located in the Clc chloride channel domain (IPR014743) of the encoded protein sequence. Three of five in-silico tools predict a damaging effect of the variant on protein function. Several computational tools predict a significant impact on normal splicing: One predict the variant abolishes a canonical 5' splicing donor site. Two predict the variant weakens a canonical 5' donor site. However, these predictions have yet to be confirmed by functional studies. The variant allele was found at a frequency of 4e-06 in 251474 control chromosomes. The available data on variant occurrences in the general population are insufficient to allow any conclusion about variant significance. c.1250A>G has been reported in the literature in at-least one individual affected with Myotonia congenita (example: Trip_2008). These data do not allow any conclusion about variant significance. At least one publication reports experimental evidence evaluating an impact on protein function, however, does not allow convincing conclusions about the variant effect (example: Zhang_2006). The following publications have been ascertained in the context of this evaluation (PMID: 18337730, 16567465). ClinVar contains an entry for this variant (Variation ID: 1405636). Based on the evidence outlined above, the variant was classified as uncertain significance.

GeneDx
Classification: Likely pathogenic. Last evaluated: 2024-10-16. Review status: criteria provided, single submitter. Criteria: GeneDx Variant Classification Process June 2021. Collection method: clinical testing. Allele origin: germline. Affected: yes.
Comment: Not observed at significant frequency in large population cohorts (gnomAD); In silico analysis supports that this missense variant has a deleterious effect on protein structure/function; This variant is associated with the following publications: (PMID: 33013670, 26510092, 29606556, 18337730)

Labcorp Genetics (formerly Invitae), Labcorp
Classification: Uncertain significance for Congenital myotonia, autosomal recessive form; Congenital myotonia, autosomal dominant form. Last evaluated: 2024-05-09. Review status: criteria provided, single submitter. Criteria: Invitae Variant Classification Sherloc (09022015). Collection method: clinical testing. Allele origin: germline.
Comment: This sequence change replaces glutamic acid, which is acidic and polar, with glycine, which is neutral and non-polar, at codon 417 of the CLCN1 protein (p.Glu417Gly). This variant is present in population databases (no rsID available, gnomAD 0.0009%). This missense change has been observed in individual(s) with non-dystrophic myotonia (PMID: 18337730). ClinVar contains an entry for this variant (Variation ID: 1405636). An algorithm developed to predict the effect of missense changes on protein structure and function (PolyPhen-2) suggests that this variant is likely to be disruptive. Experimental studies are conflicting or provide insufficient evidence to determine the effect of this variant on CLCN1 function (PMID: 16567465). Algorithms developed to predict the effect of sequence changes on RNA splicing suggest that this variant may disrupt the consensus splice site. In summary, the available evidence is currently insufficient to determine the role of this variant in disease. Therefore, it has been classified as a Variant of Uncertain Significance.

Literature cited by the submitters: PubMed 18337730 (cited by Women's Health and Genetics/Laboratory Corporation of America, LabCorp and Labcorp Genetics (formerly Invitae), Labcorp); PubMed 16567465 (cited by Women's Health and Genetics/Laboratory Corporation of America, LabCorp and Labcorp Genetics (formerly Invitae), Labcorp).

NM_000083.3(CLCN1):c.1250A>G (p.Glu417Gly)

Gene: CLCN1 (chloride voltage-gated channel 1; plus strand). Cytogenetic location: 7q34.
Variant type: single nucleotide variant.
Coding change: c.1250A>G on transcript NM_000083.3 (MANE Select); coding-DNA position 1250, A replaced by G.
Protein change: p.Glu417Gly; replaces glutamic acid 417 with glycine.
Molecular consequence: missense variant. On other transcripts: non-coding transcript variant (1).
Genome position (GRCh38, 1-based): chr7:143,332,502, A>G. VCF-style: chr7-143332502-A-G. GRCh37 (hg19) VCF-style: chr7-143029595-A-G.
Other names: c.1250A>G (NM_000083.2); short protein forms E417G.
Identifiers: ClinVar variation 1405636 (VCV001405636.9), dbSNP rs1288398919, ClinGen allele CA369643625.